The following is an entry in ClinVar:

NM_024649.5(BBS1):c.374G>T (p.Ser125Ile)

Gene: BBS1 (Bardet-Biedl syndrome 1; plus strand). Cytogenetic location: 11q13.2.
Variant type: single nucleotide variant.
Coding change: c.374G>T on transcript NM_024649.5 (MANE Select); coding-DNA position 374, G replaced by T.
Protein change: p.Ser125Ile; replaces serine 125 with isoleucine.
Molecular consequence: missense variant.
Genome position (GRCh38, 1-based): chr11:66,514,620, G>T. VCF-style: chr11-66514620-G-T. GRCh37 (hg19) VCF-style: chr11-66282091-G-T.
Other names: short protein forms S125I.
Identifiers: ClinVar variation 4987774 (VCV004987774.1).

ClinVar aggregate classification (germline): Uncertain significance (1 of 4 stars; one submission).

Conditions:
BBS1-related disorder. Also called: BBS1-related condition.

Submission:

PreventionGenetics, part of Exact Sciences
Classification: Uncertain significance for BBS1-related condition. Last evaluated: 2025-05-29. Review status: criteria provided, single submitter. Criteria: ACMG Guidelines, 2015. Collection method: clinical testing. Allele origin: germline.
Comment: The BBS1 c.374G>T variant is predicted to result in the amino acid substitution p.Ser125Ile. To our knowledge, this variant has not been reported in the literature. This variant is reported in 0.0018% of alleles in individuals of European (Non-Finnish) descent in gnomAD. At this time, the clinical significance of this variant is uncertain due to the absence of conclusive functional and genetic evidence.